The following is an entry in ClinVar:

NM_025233.7(COASY):c.1219G>T (p.Val407Leu)

Gene: COASY (Coenzyme A synthase; plus strand). Cytogenetic location: 17q21.2.
Variant type: single nucleotide variant.
Coding change: c.1219G>T on transcript NM_025233.7 (MANE Select); coding-DNA position 1219, G replaced by T.
Protein change: p.Val407Leu; replaces valine 407 with leucine.
Molecular consequence: missense variant.
Genome position (GRCh38, 1-based): chr17:42,564,880, G>T. VCF-style: chr17-42564880-G-T. GRCh37 (hg19) VCF-style: chr17-40716898-G-T.
Other names: c.1219G>T, p.Val407Leu (NM_001042529.3); c.1306G>T, p.Val436Leu (NM_001042532.4); c.1219G>T (NM_025233.6); short protein forms V407L, V436L.
Identifiers: ClinVar variation 2202127 (VCV002202127.5), dbSNP rs746252959, ClinGen allele CA8578225.

ClinVar aggregate classification (germline): Uncertain significance. Review status: criteria provided, multiple submitters, no conflicts (2 of 4 stars). 2 submissions from 2 submitters: Uncertain significance (2). Last evaluated 2024-07-05.

Conditions:
Neurodegeneration with brain iron accumulation 6 (NBIA6). Also called: COASY protein-associated neurodegeneration. Identifiers: Orphanet 397725, MedGen C4517377, MONDO:0014290, OMIM 615643.

Allele frequency attached by ClinVar (database versions not stated): gnomAD 0.00001; TOPMed 0.00001; ExAC 0.00002; gnomAD exomes 0.00003.

Submissions (2):

GeneDx
Classification: Uncertain significance. Last evaluated: 2024-07-05. Review status: criteria provided, single submitter. Criteria: GeneDx Variant Classification Process June 2021. Collection method: clinical testing. Allele origin: germline. Affected: yes.
Comment: Not observed at significant frequency in large population cohorts (gnomAD); In silico analysis indicates that this missense variant does not alter protein structure/function; Has not been previously published as pathogenic or benign to our knowledge

Labcorp Genetics (formerly Invitae), Labcorp
Classification: Uncertain significance for Neurodegeneration with brain iron accumulation 6. Last evaluated: 2022-06-24. Review status: criteria provided, single submitter. Criteria: Invitae Variant Classification Sherloc (09022015). Collection method: clinical testing. Allele origin: germline.
Comment: This sequence change replaces valine, which is neutral and non-polar, with leucine, which is neutral and non-polar, at codon 407 of the COASY protein (p.Val407Leu). This variant is present in population databases (rs746252959, gnomAD 0.005%). This variant has not been reported in the literature in individuals affected with COASY-related conditions. Algorithms developed to predict the effect of missense changes on protein structure and function (SIFT, PolyPhen-2, Align-GVGD) all suggest that this variant is likely to be tolerated. In summary, the available evidence is currently insufficient to determine the role of this variant in disease. Therefore, it has been classified as a Variant of Uncertain Significance.